The following is an entry in ClinVar:

NM_025132.4(WDR19):c.1493A>G (p.Gln498Arg)

Gene: WDR19 (WD repeat domain 19; plus strand). Cytogenetic location: 4p14.
Variant type: single nucleotide variant.
Coding change: c.1493A>G on transcript NM_025132.4 (MANE Select); coding-DNA position 1493, A replaced by G.
Protein change: p.Gln498Arg; replaces glutamine 498 with arginine.
Molecular consequence: missense variant.
Genome position (GRCh38, 1-based): chr4:39,224,897, A>G. VCF-style: chr4-39224897-A-G. GRCh37 (hg19) VCF-style: chr4-39226517-A-G.
Other names: c.1013A>G, p.Gln338Arg (NM_001317924.2); short protein forms Q338R, Q498R.
Identifiers: ClinVar variation 1062773 (VCV001062773.9), dbSNP rs2109349675, ClinGen allele CA356631938.

ClinVar aggregate classification (germline): Uncertain significance (1 of 4 stars; one submission).

Conditions:
Senior-Loken syndrome 8 (SLSN8). Identifiers: Orphanet 3156, MedGen C4225376, MONDO:0014579, OMIM 616307.
Asphyxiating thoracic dystrophy 5 (SRTD5). Also called: SHORT-RIB THORACIC DYSPLASIA 5 WITH OR WITHOUT POLYDACTYLY; SHORT-RIB THORACIC DYSPLASIA 5 WITHOUT POLYDACTYLY. Identifiers: Orphanet 474, MedGen C3280598, MONDO:0013717, OMIM 614376.

Submission:

Labcorp Genetics (formerly Invitae), Labcorp
Classification: Uncertain significance for Senior-Loken syndrome 8; Asphyxiating thoracic dystrophy 5. Last evaluated: 2022-06-13. Review status: criteria provided, single submitter. Criteria: Invitae Variant Classification Sherloc (09022015). Collection method: clinical testing. Allele origin: germline.
Comment: In summary, the available evidence is currently insufficient to determine the role of this variant in disease. Therefore, it has been classified as a Variant of Uncertain Significance. Algorithms developed to predict the effect of missense changes on protein structure and function output the following: SIFT: "Tolerated"; PolyPhen-2: "Benign"; Align-GVGD: "Class C0". The arginine amino acid residue is found in multiple mammalian species, which suggests that this missense change does not adversely affect protein function. ClinVar contains an entry for this variant (Variation ID: 1062773). This variant has not been reported in the literature in individuals affected with WDR19-related conditions. This variant is not present in population databases (gnomAD no frequency). This sequence change replaces glutamine, which is neutral and polar, with arginine, which is basic and polar, at codon 498 of the WDR19 protein (p.Gln498Arg).